The following is an entry in ClinVar:

NM_004174.4(SLC9A3):c.933-2A>G

Gene: SLC9A3 (solute carrier family 9 member A3). Cytogenetic location: 5p15.33.
Variant type: single nucleotide variant.
Coding change: c.933-2A>G on transcript NM_004174.4 (MANE Select); the canonical splice acceptor site of the intron before coding-DNA position 933, A replaced by G.
Molecular consequence: splice acceptor variant.
Genome position (GRCh38, 1-based): chr5:483,484, T>C on the plus strand (A>G on the coding strand, the complement: SLC9A3 is on the minus strand). VCF-style: chr5-483484-T-C. GRCh37 (hg19) VCF-style: chr5-483599-T-C.
Other names: c.933-2A>G (NM_001284351.3).
Identifiers: ClinVar variation 2119078 (VCV002119078.4), dbSNP rs2477588920, ClinGen allele CA359028367.

ClinVar aggregate classification (germline): Likely pathogenic (1 of 4 stars; one submission).

Submission:

Labcorp Genetics (formerly Invitae), Labcorp
Classification: Likely pathogenic. Last evaluated: 2022-10-20. Review status: criteria provided, single submitter. Criteria: Invitae Variant Classification Sherloc (09022015). Collection method: clinical testing. Allele origin: germline.
Comment: This sequence change affects an acceptor splice site in intron 5 of the SLC9A3 gene. It is expected to disrupt RNA splicing. Variants that disrupt the donor or acceptor splice site typically lead to a loss of protein function (PMID: 16199547), and loss-of-function variants in SLC9A3 are known to be pathogenic (PMID: 26358773). In summary, the currently available evidence indicates that the variant is pathogenic, but additional data are needed to prove that conclusively. Therefore, this variant has been classified as Likely Pathogenic. Algorithms developed to predict the effect of sequence changes on RNA splicing suggest that this variant may disrupt the consensus splice site. This variant has not been reported in the literature in individuals affected with SLC9A3-related conditions. This variant is not present in population databases (gnomAD no frequency).

Literature cited by the submitters: PubMed 16199547; PubMed 26358773.